The following is an entry in ClinVar:

ClinVar aggregate classification (germline): Conflicting classifications of pathogenicity. Review status: criteria provided, conflicting classifications (1 of 4 stars). 3 submissions from 3 submitters: Uncertain significance (2); Likely benign (1). Last evaluated 2025-03-28.

Conditions:
Inborn genetic diseases. Identifiers: MedGen C0950123, MeSH D030342.
Joubert syndrome 25 (JBTS25). Identifiers: Orphanet 475, MedGen C4084842, MONDO:0014770, OMIM 616781.

gnomAD v4.1: 67 of 1,614,052 alleles (0.0042%); highest among the groups gnomAD compares: African/African-American, 0.075%; no homozygotes.

Submissions (3):

Ambry Genetics
Classification: Uncertain significance for Inborn genetic diseases. Last evaluated: 2025-03-28. Review status: criteria provided, single submitter. Criteria: Ambry Variant Classification Scheme 2023. Collection method: clinical testing. Allele origin: germline.

Labcorp Genetics (formerly Invitae), Labcorp
Classification: Uncertain significance for Joubert syndrome 25. Last evaluated: 2024-10-25. Review status: criteria provided, single submitter. Criteria: Invitae Variant Classification Sherloc (09022015). Collection method: clinical testing. Allele origin: germline.
Comment: This sequence change replaces arginine, which is basic and polar, with glutamine, which is neutral and polar, at codon 222 of the CEP104 protein (p.Arg222Gln). This variant is present in population databases (rs150150041, gnomAD 0.08%). This variant has not been reported in the literature in individuals affected with CEP104-related conditions. An algorithm developed to predict the effect of missense changes on protein structure and function (PolyPhen-2) suggests that this variant¬†is likely to be tolerated. In summary, the available evidence is currently insufficient to determine the role of this variant in disease. Therefore, it has been classified as a Variant of Uncertain Significance.

Blueprint Genetics
Classification: Likely benign. Last evaluated: 2024-06-13. Review status: criteria provided, single submitter. Criteria: ACMG Guidelines, 2015. Collection method: clinical testing. Allele origin: germline.

NM_014704.4(CEP104):c.665G>A (p.Arg222Gln)

Gene: CEP104 (centrosomal protein 104; minus strand). Cytogenetic location: 1p36.32.
Variant type: single nucleotide variant.
Coding change: c.665G>A on transcript NM_014704.4 (MANE Select); coding-DNA position 665, G replaced by A.
Protein change: p.Arg222Gln; replaces arginine 222 with glutamine.
Molecular consequence: missense variant.
Genome position (GRCh38, 1-based): chr1:3,839,678, C>T on the plus strand (G>A on the coding strand, the complement: CEP104 is on the minus strand). VCF-style: chr1-3839678-C-T. GRCh37 (hg19) VCF-style: chr1-3756242-C-T.
Other names: c.665G>A (NM_014704.3); short protein forms R222Q.
Identifiers: ClinVar variation 3631719 (VCV003631719.3).